The following is an entry in ClinVar:

NM_015506.3(MMACHC):c.332G>A (p.Arg111Gln)

Gene: MMACHC (metabolism of cobalamin associated C; plus strand). Cytogenetic location: 1p34.1.
Variant type: single nucleotide variant.
Coding change: c.332G>A on transcript NM_015506.3 (MANE Select); coding-DNA position 332, G replaced by A.
Protein change: p.Arg111Gln; replaces arginine 111 with glutamine.
Molecular consequence: missense variant.
Genome position (GRCh38, 1-based): chr1:45,508,267, G>A. VCF-style: chr1-45508267-G-A. GRCh37 (hg19) VCF-style: chr1-45973939-G-A.
Other names: p.Arg111Gln; c.161G>A, p.Arg54Gln (NM_001330540.2); short protein forms R111Q, R54Q.
Identifiers: ClinVar variation 775548 (VCV000775548.21), dbSNP rs200300254, ClinGen allele CA827705.
Genomic context (GRCh38, chr1:45,508,267, plus strand): 5'-TCCAGAGCCTCCCAGAGCTGCAGATAGAAATCATTGCTGACTACGAGGTGCACCCCAACC[G>A]ACGCCCCAAGATCCTGGCCCAGACAGCAGCCCATGTAGCTGGGGCTGCTTACTACTACCA-3'
Protein context (NP_056321.2, residues 101-121): IIADYEVHPN[Arg111Gln]RPKILAQTAA

ClinVar aggregate classification (germline): Conflicting classifications of pathogenicity. Review status: criteria provided, conflicting classifications (1 of 4 stars). 10 submissions from 10 submitters: Uncertain significance (4); Likely benign (4). 2 of the submissions do not count toward it. Last evaluated 2026-01-31.

Conditions:
MMACHC-related disorder. Also called: MMACHC-related condition.
Cobalamin C disease. Also called: Methylmalonic aciduria and homocystinuria, Vitamin B12-responsive; Vitamin B12 metabolic defect with combined deficiency of methylmalonyl-CoA mutase and homocysteine:methyltetrahydrofolate methyltransferase; methylmalonic aciduria and homocystinuria type cblC; Cobalamin-C methylmalonic acidemia and homocystinuria; Methylmalonic acidemia and homocystinuria cblC type; Methylmalonic aciduria with homocystinuria cblC type. Identifiers: Orphanet 26, Orphanet 79282, MedGen C1848561, MONDO:0010184, OMIM 277400.

Allele frequency attached by ClinVar (database versions not stated): gnomAD exomes 0.00014 and 0.00030; ExAC 0.00029; 1000 Genomes Project 30x 0.00047; 1000 Genomes Project 0.00060; gnomAD 0.00109 and 0.00123; TOPMed 0.00124; ESP Exome Variant Server 0.00131.

Submissions (10):

Labcorp Genetics (formerly Invitae), Labcorp
Classification: Likely benign for Cobalamin C disease. Last evaluated: 2026-01-31. Review status: criteria provided, single submitter. Criteria: Invitae Variant Classification Sherloc (09022015). Collection method: clinical testing. Allele origin: germline.

Mayo Clinic Laboratories, Mayo Clinic
Classification: Likely benign. Last evaluated: 2025-11-21. Review status: criteria provided, single submitter. Criteria: ACMG Guidelines, 2015. Collection method: clinical testing. Allele origin: germline. Observed: 4 variant alleles.
Comment: BS1, PP3

Blueprint Genetics
Classification: Likely benign. Last evaluated: 2024-06-20. Review status: criteria provided, single submitter. Criteria: ACMG Guidelines, 2015. Collection method: clinical testing. Allele origin: germline.

GeneDx
Classification: Uncertain significance. Last evaluated: 2023-02-10. Review status: criteria provided, single submitter. Criteria: GeneDx Variant Classification Process June 2021. Collection method: clinical testing. Allele origin: germline. Affected: yes.
Comment: In silico analysis supports that this missense variant has a deleterious effect on protein structure/function; This variant is associated with the following publications: (PMID: 32579932)

Women's Health and Genetics/Laboratory Corporation of America, LabCorp
Classification: Uncertain significance. Last evaluated: 2022-12-15. Review status: criteria provided, single submitter. Criteria: LabCorp Variant Classification Summary - May 2015. Collection method: clinical testing. Allele origin: germline.
Comment: Variant summary: MMACHC c.332G>A (p.Arg111Gln) results in a conservative amino acid change in the encoded protein sequence. Four of five in-silico tools predict a damaging effect of the variant on protein function. The variant allele was found at a frequency of 0.0003 in 249418 control chromosomes. This frequency is not significantly higher than expected for a pathogenic variant in MMACHC causing Methylmalonic Acidemia With Homocystinuria (0.0003 vs 0.0032), allowing no conclusion about variant significance. To our knowledge, no occurrence of c.332G>A in individuals affected with Methylmalonic Acidemia With Homocystinuria and no experimental evidence demonstrating its impact on protein function have been reported. Two submitters have provided clinical-significance assessments for this variant in ClinVar after 2014 without evidence for independent evaluation, and both classified the variant as likely benign. Based on the evidence outlined above, the variant was classified as uncertain significance.

Baylor Genetics
Classification: Uncertain significance for Cobalamin C disease. Last evaluated: 2022-10-05. Review status: criteria provided, single submitter. Criteria: ACMG Guidelines, 2015. Collection method: clinical testing. Allele origin: unknown.

Revvity Omics, Revvity
Classification: Uncertain significance for Cobalamin C disease. Last evaluated: 2019-01-24. Review status: criteria provided, single submitter. Criteria: ACMG Guidelines, 2015. Collection method: clinical testing. Allele origin: germline.

Breakthrough Genomics
Classification: Likely benign. Review status: criteria provided, single submitter. Criteria: ACMG Guidelines, 2015. Collection method: not provided. Allele origin: germline. Inheritance: Autosomal recessive inheritance. Affected: yes.

PreventionGenetics, part of Exact Sciences
Classification: Likely benign for MMACHC-related condition. Last evaluated: 2022-07-15. Review status: no assertion criteria provided. Collection method: clinical testing. Allele origin: germline. Not counted in ClinVar's aggregate classification.
Comment: This variant is classified as likely benign based on ACMG/AMP sequence variant interpretation guidelines (Richards et al. 2015 PMID: 25741868, with internal and published modifications).

Natera, Inc.
Classification: Likely benign for Methylmalonic aciduria with homocystinuria cblC type. Last evaluated: 2020-04-30. Review status: no assertion criteria provided. Collection method: clinical testing. Allele origin: germline. Not counted in ClinVar's aggregate classification.